The following is an entry in ClinVar:

ClinVar aggregate classification (germline): Uncertain significance (1 of 4 stars; one submission).

gnomAD v4.1: 5 of 1,600,904 alleles (0.00031%); highest among the groups gnomAD compares: African/African-American, 0.0067%; no homozygotes.

Submission:

Ambry Genetics
Classification: Uncertain significance. Last evaluated: 2024-12-25. Review status: criteria provided, single submitter. Criteria: Ambry Variant Classification Scheme 2023. Collection method: clinical testing. Allele origin: germline.
Comment: The p.Y1879C variant (also known as c.5636A>G), located in coding exon 22 of the WNK2 gene, results from an A to G substitution at nucleotide position 5636. The tyrosine at codon 1879 is replaced by cysteine, an amino acid with highly dissimilar properties. This amino acid position is conserved. In addition, this alteration is predicted to be deleterious by in silico analysis. Based on the available evidence, the clinical significance of this variant remains unclear.

NM_006648.4(WNK2):c.5636A>G (p.Tyr1879Cys)

Gene: WNK2 (WNK lysine deficient protein kinase 2; plus strand). Cytogenetic location: 9q22.31.
Variant type: single nucleotide variant.
Coding change: c.5636A>G on transcript NM_006648.4 (MANE Select); coding-DNA position 5636, A replaced by G.
Protein change: p.Tyr1879Cys; replaces tyrosine 1879 with cysteine.
Molecular consequence: missense variant.
Genome position (GRCh38, 1-based): chr9:93,293,101, A>G. VCF-style: chr9-93293101-A-G. GRCh37 (hg19) VCF-style: chr9-96055383-A-G.
Other names: c.5747A>G, p.Tyr1916Cys (NM_001282394.3); short protein forms Y1879C, Y1916C.
Identifiers: ClinVar variation 3816626 (VCV003816626.1).